The following is an entry in ClinVar:

ClinVar aggregate classification (germline): Uncertain significance (1 of 4 stars; one submission).

Conditions:
Leber congenital amaurosis 6 (LCA6). Identifiers: Orphanet 65, MedGen C1854260, MONDO:0013446, OMIM 613826.
Cone-rod dystrophy 13 (CORD13). Identifiers: Orphanet 1872, MedGen C2750720, MONDO:0011987, OMIM 608194.

Allele frequency attached by ClinVar (database versions not stated): gnomAD exomes below 0.00001.

Submission:

Labcorp Genetics (formerly Invitae), Labcorp
Classification: Uncertain significance for Leber congenital amaurosis 6; Cone-rod dystrophy 13. Last evaluated: 2023-11-13. Review status: criteria provided, single submitter. Criteria: Invitae Variant Classification Sherloc (09022015). Collection method: clinical testing. Allele origin: germline.
Comment: This sequence change replaces serine, which is neutral and polar, with threonine, which is neutral and polar, at codon 491 of the RPGRIP1 protein (p.Ser491Thr). This variant is present in population databases (no rsID available, gnomAD 0.003%). This variant has not been reported in the literature in individuals affected with RPGRIP1-related conditions. ClinVar contains an entry for this variant (Variation ID: 1997355). Advanced modeling of protein sequence and biophysical properties (such as structural, functional, and spatial information, amino acid conservation, physicochemical variation, residue mobility, and thermodynamic stability) performed at Invitae indicates that this missense variant is not expected to disrupt RPGRIP1 protein function with a negative predictive value of 80%. In summary, the available evidence is currently insufficient to determine the role of this variant in disease. Therefore, it has been classified as a Variant of Uncertain Significance.

NM_020366.4(RPGRIP1):c.1472G>C (p.Ser491Thr)

Gene: RPGRIP1 (RPGR interacting protein 1; plus strand). Cytogenetic location: 14q11.2.
Variant type: single nucleotide variant.
Coding change: c.1472G>C on transcript NM_020366.4 (MANE Select); coding-DNA position 1472, G replaced by C.
Protein change: p.Ser491Thr; replaces serine 491 with threonine.
Molecular consequence: missense variant. On other transcripts: 5 prime UTR variant (1).
Genome position (GRCh38, 1-based): chr14:21,321,263, G>C. VCF-style: chr14-21321263-G-C. GRCh37 (hg19) VCF-style: chr14-21789422-G-C.
Other names: c.398G>C, p.Ser133Thr (NM_001377523.1, NM_001377948.1, NM_001377949.1 and 1 more transcripts); c.-101G>C (NM_001377951.1); short protein forms S491T, S133T.
Identifiers: ClinVar variation 1997355 (VCV001997355.4), dbSNP rs1426406294, ClinGen allele CA388865083.